The following is an entry in ClinVar:

ClinVar aggregate classification (germline): Benign (1 of 4 stars; one submission).

Conditions:
Peutz-Jeghers syndrome (PJS). Also called: POLYPOSIS, HAMARTOMATOUS INTESTINAL; POLYPS-AND-SPOTS SYNDROME; Peutz-Jeghers polyposis; Periorificial lentiginosis syndrome. Identifiers: Orphanet 2869, MedGen C0031269, MeSH D010580, MONDO:0008280, OMIM 175200.

Allele frequency attached by ClinVar (database versions not stated): gnomAD 0.00009 and 0.00016; TOPMed 0.00020; 1000 Genomes Project 30x 0.00125; 1000 Genomes Project 0.00180; gnomAD exomes 0.00190.
gnomAD v4.1: 163 of 231,292 alleles (0.07%); highest among the groups gnomAD compares: East Asian, 0.98%; 2 homozygotes.

Submission:

Illumina Laboratory Services, Illumina
Classification: Benign for Peutz-Jeghers syndrome. Last evaluated: 2018-01-12. Review status: criteria provided, single submitter. Criteria: ICSL Variant Classification Criteria 13 December 2019. Collection method: clinical testing. Allele origin: germline.
Comment: This variant was observed in the ICSL laboratory as part of a predisposition screen in an ostensibly healthy population. It had not been previously curated by ICSL or reported in the Human Gene Mutation Database (HGMD: prior to June 1st, 2018), and was therefore a candidate for classification through an automated scoring system. Utilizing variant allele frequency, disease prevalence and penetrance estimates, and inheritance mode, an automated score was calculated to assess if this variant is too frequent to cause the disease. Based on the score and internal cut-off values, a variant classified as benign is not then subjected to further curation. The score for this variant resulted in a classification of benign for this disease.

NM_000455.5(STK11):c.-562G>C

Gene: STK11 (serine/threonine kinase 11; plus strand). Cytogenetic location: 19p13.3.
Variant type: single nucleotide variant.
Coding change: c.-562G>C on transcript NM_000455.5 (MANE Select); 562 bases upstream of the start codon, G replaced by C.
Molecular consequence: 5 prime UTR variant.
Genome position (GRCh38, 1-based): chr19:1,206,352, G>C. VCF-style: chr19-1206352-G-C. GRCh37 (hg19) VCF-style: chr19-1206351-G-C.
Identifiers: ClinVar variation 328210 (VCV000328210.5), dbSNP rs187649480, ClinGen allele CA10642267.